The following is an entry in ClinVar:

NM_020937.4(FANCM):c.5995A>G (p.Arg1999Gly)

Gene: FANCM (FA complementation group M; plus strand). Cytogenetic location: 14q21.2.
Variant type: single nucleotide variant.
Coding change: c.5995A>G on transcript NM_020937.4 (MANE Select); coding-DNA position 5995, A replaced by G.
Protein change: p.Arg1999Gly; replaces arginine 1999 with glycine.
Molecular consequence: missense variant.
Genome position (GRCh38, 1-based): chr14:45,198,922, A>G. VCF-style: chr14-45198922-A-G. GRCh37 (hg19) VCF-style: chr14-45668125-A-G.
Other names: c.5917A>G, p.Arg1973Gly (NM_001308133.2); short protein forms R1999G, R1973G.
Identifiers: ClinVar variation 4844557 (VCV004844557.1).

ClinVar aggregate classification (germline): Uncertain significance (1 of 4 stars; one submission).

Conditions:
Inborn genetic diseases. Identifiers: MedGen C0950123, MeSH D030342.

Submission:

Ambry Genetics
Classification: Uncertain significance for Inborn genetic diseases. Last evaluated: 2026-02-14. Review status: criteria provided, single submitter. Criteria: Ambry Variant Classification Scheme 2023. Collection method: clinical testing. Allele origin: germline.
Comment: The p.R1999G variant (also known as c.5995A>G), located in coding exon 22 of the FANCM gene, results from an A to G substitution at nucleotide position 5995. The arginine at codon 1999 is replaced by glycine, an amino acid with dissimilar properties. This amino acid position is conserved. In addition, this alteration is predicted to be tolerated by in silico analysis. Based on the available evidence, the clinical significance of this variant remains unclear.